The following is an entry in ClinVar:

NM_003200.5(TCF3):c.1495C>T (p.Arg499Trp)

Gene: TCF3 (transcription factor 3; minus strand). Cytogenetic location: 19p13.3.
Variant type: single nucleotide variant.
Coding change: c.1495C>T on transcript NM_003200.5 (MANE Select); coding-DNA position 1495, C replaced by T.
Protein change: p.Arg499Trp; replaces arginine 499 with tryptophan.
Molecular consequence: missense variant.
Genome position (GRCh38, 1-based): chr19:1,615,777, G>A on the plus strand (C>T on the coding strand, the complement: TCF3 is on the minus strand). VCF-style: chr19-1615777-G-A. GRCh37 (hg19) VCF-style: chr19-1615776-G-A.
Other names: c.1495C>T, p.Arg499Trp (NM_001136139.4, NM_001351779.2); c.1492C>T, p.Arg498Trp (NM_001351778.2); short protein forms R498W, R499W.
Identifiers: ClinVar variation 1448066 (VCV001448066.4), dbSNP rs182482393, ClinGen allele CA304100311.

ClinVar aggregate classification (germline): Uncertain significance (1 of 4 stars; one submission).

Allele frequency attached by ClinVar (database versions not stated): TOPMed below 0.00001; gnomAD 0.00001 and 0.00002; gnomAD exomes 0.00004; 1000 Genomes Project 0.00040; 1000 Genomes Project 30x 0.00047.
gnomAD v4.1: 66 of 1,589,818 alleles (0.0042%); highest among the groups gnomAD compares: East Asian, 0.009%; no homozygotes.

Submission:

Labcorp Genetics (formerly Invitae), Labcorp
Classification: Uncertain significance. Last evaluated: 2025-07-27. Review status: criteria provided, single submitter. Criteria: Invitae Variant Classification Sherloc (09022015). Collection method: clinical testing. Allele origin: germline.
Comment: This sequence change replaces arginine, which is basic and polar, with tryptophan, which is neutral and slightly polar, at codon 499 of the TCF3 protein (p.Arg499Trp). This variant is present in population databases (rs182482393, gnomAD 0.005%). This variant has not been reported in the literature in individuals affected with TCF3-related conditions. ClinVar contains an entry for this variant (Variation ID: 1448066). Invitae Evidence Modeling of protein sequence and biophysical properties (such as structural, functional, and spatial information, amino acid conservation, physicochemical variation, residue mobility, and thermodynamic stability) indicates that this missense variant is expected to disrupt TCF3 protein function with a positive predictive value of 80%. In summary, the available evidence is currently insufficient to determine the role of this variant in disease. Therefore, it has been classified as a Variant of Uncertain Significance.